The following is an entry in ClinVar:

ClinVar aggregate classification (germline): Uncertain significance. Review status: criteria provided, multiple submitters, no conflicts (2 of 4 stars). 2 submissions from 2 submitters: Uncertain significance (2). Last evaluated 2025-09-03.

gnomAD v4.1: 4 of 1,614,046 alleles (0.00025%); highest among the groups gnomAD compares: African/African-American, 0.0053%; no homozygotes.

Submissions (2):

Women's Health and Genetics/Laboratory Corporation of America, LabCorp
Classification: Uncertain significance. Last evaluated: 2025-09-03. Review status: criteria provided, single submitter. Criteria: LabCorp Variant Classification Summary - May 2015. Collection method: clinical testing. Allele origin: germline.
Comment: Variant summary: FAT2 c.2221G>A (p.Asp741Asn) results in a conservative amino acid change in the encoded protein sequence. Algorithms developed to predict the effect of missense changes on protein structure and function are either unavailable or do not agree on the potential impact of this missense change. The variant allele was found at a frequency of 4e-06 in 250980 control chromosomes. The available data on variant occurrences in the general population are insufficient to allow any conclusion about variant significance. To our knowledge, no occurrence of c.2221G>A in individuals affected with FAT2-related conditions and no experimental evidence demonstrating its impact on protein function have been reported. ClinVar contains an entry for this variant (Variation ID: 4023156). Based on the evidence outlined above, the variant was classified as uncertain significance.

Ambry Genetics
Classification: Uncertain significance. Last evaluated: 2025-06-03. Review status: criteria provided, single submitter. Criteria: Ambry Variant Classification Scheme 2023. Collection method: clinical testing. Allele origin: germline.

NM_001447.3(FAT2):c.2221G>A (p.Asp741Asn)

Gene: FAT2 (FAT atypical cadherin 2; minus strand). Cytogenetic location: 5q33.1.
Variant type: single nucleotide variant.
Coding change: c.2221G>A on transcript NM_001447.3 (MANE Select); coding-DNA position 2221, G replaced by A.
Protein change: p.Asp741Asn; replaces aspartic acid 741 with asparagine.
Molecular consequence: missense variant.
Genome position (GRCh38, 1-based): chr5:151,566,711, C>T on the plus strand (G>A on the coding strand, the complement: FAT2 is on the minus strand). VCF-style: chr5-151566711-C-T. GRCh37 (hg19) VCF-style: chr5-150946272-C-T.
Other names: short protein forms D741N.
Identifiers: ClinVar variation 4023156 (VCV004023156.2).